The following is an entry in ClinVar:

NM_181332.3(NLGN4X):c.1360G>A (p.Val454Met)

Gene: NLGN4X (neuroligin 4 X-linked; minus strand). Cytogenetic location: Xp22.32.
Variant type: single nucleotide variant.
Coding change: c.1360G>A on transcript NM_181332.3 (MANE Select); coding-DNA position 1360, G replaced by A.
Protein change: p.Val454Met; replaces valine 454 with methionine.
Molecular consequence: missense variant.
Genome position (GRCh38, 1-based): chrX:5,903,318, C>T on the plus strand (G>A on the coding strand, the complement: NLGN4X is on the minus strand). VCF-style: chrX-5903318-C-T. GRCh37 (hg19) VCF-style: chrX-5821359-C-T.
Other names: c.1360G>A, p.Val454Met (NM_001282145.2, NM_001282146.2, NM_020742.4); short protein forms V454M.
Identifiers: ClinVar variation 590243 (VCV000590243.3), dbSNP rs199525017, ClinGen allele CA10341035.

ClinVar aggregate classification (germline): Uncertain significance (1 of 4 stars; one submission).

Conditions:
History of neurodevelopmental disorder. Identifiers: MedGen C2711754.

Allele frequency attached by ClinVar (database versions not stated): gnomAD 0.00002; gnomAD exomes 0.00003 and 0.00008; TOPMed 0.00004; ExAC 0.00008.
gnomAD v4.1: 40 of 1,209,702 alleles (0.0033%); highest among the groups gnomAD compares: South Asian, 0.0053%; no homozygotes.

Submission:

Ambry Genetics
Classification: Uncertain significance for History of neurodevelopmental disorder. Last evaluated: 2016-11-09. Review status: criteria provided, single submitter. Criteria: Ambry Autosomal Dominant and X-Linked criteria (10/2015). Collection method: clinical testing. Allele origin: germline. Observed: 1 variant allele.
Comment: There is insufficient or conflicting evidence for classification of this alteration.